The following is an entry in ClinVar:

ClinVar aggregate classification (germline): Uncertain significance (1 of 4 stars; one submission).

Submission:

Labcorp Genetics (formerly Invitae), Labcorp
Classification: Uncertain significance. Last evaluated: 2022-03-25. Review status: criteria provided, single submitter. Criteria: Invitae Variant Classification Sherloc (09022015). Collection method: clinical testing. Allele origin: germline.
Comment: In summary, the available evidence is currently insufficient to determine the role of this variant in disease. Therefore, it has been classified as a Variant of Uncertain Significance. This variant has not been reported in the literature in individuals affected with PRPF3-related conditions. A copy number gain of the genomic region encompassing the full coding sequence of the PRPF3 gene has been identified. The boundaries of this event are unknown as they extend beyond the assayed region for this gene and therefore may encompass additional genes. As the precise location of this event is unknown, it may be in tandem or it may be located elsewhere in the genome.

NC_000001.10:g.(?_150039915)_(150464158_?)dup

Genes: ANP32E (acidic nuclear phosphoprotein 32 family member E; minus strand), APH1A (aph-1 homolog A, gamma-secretase subunit; minus strand), C1orf54 (chromosome 1 open reading frame 54; plus strand), CA14 (carbonic anhydrase 14; plus strand), CIART (circadian associated repressor of transcription; plus strand) and 6 more. Cytogenetic location: 1q21.2-21.3.
Variant type: Duplication.
Identifiers: ClinVar variation 2425201 (VCV002425201.4).